The following is an entry in ClinVar:

NM_014921.5(ADGRL1):c.4372G>C (p.Asp1458His)

Genes: ADGRL1 (adhesion G protein-coupled receptor L1; minus strand), ADGRL1-AS1 (ADGRL1 antisense RNA 1; plus strand). Cytogenetic location: 19p13.12.
Variant type: single nucleotide variant.
Coding change: c.4372G>C on transcript NM_014921.5 (MANE Select); coding-DNA position 4372, G replaced by C.
Protein change: p.Asp1458His; replaces aspartic acid 1458 with histidine.
Molecular consequence: missense variant.
Genome position (GRCh38, 1-based): chr19:14,150,911, C>G on the plus strand (G>C on the coding strand, the complement: ADGRL1 is on the minus strand). VCF-style: chr19-14150911-C-G. GRCh37 (hg19) VCF-style: chr19-14261723-C-G.
Other names: c.4387G>C, p.Asp1463His (NM_001008701.3); short protein forms D1458H, D1463H.
Identifiers: ClinVar variation 5005945 (VCV005005945.2).

ClinVar aggregate classification (germline): Uncertain significance (1 of 4 stars; one submission).

Conditions:
Developmental delay, behavioral abnormalities, and neuropsychiatric disorders (DEDBANP). Identifiers: MedGen C5774224, MONDO:0859292, OMIM 620065.

Submission:

Juno Genomics, Hangzhou Juno Genomics, Inc
Classification: Uncertain significance for Developmental delay, behavioral abnormalities, and neuropsychiatric disorders. Review status: criteria provided, single submitter. Criteria: ACMG Guidelines, 2015. Collection method: clinical testing. Allele origin: germline.
Comment: Absent from controls (or at extremely low frequency if recessive) in Genome Aggregation Database.;Missense variant in a gene that has a low rate of benign missense variation.